The following is an entry in ClinVar:

ClinVar aggregate classification (germline): Uncertain significance (1 of 4 stars; one submission).

Conditions:
Familial adenomatous polyposis 1 (FAP1). Also called: FAMILIAL ADENOMATOUS POLYPOSIS 1, ATTENUATED; POLYPOSIS, ADENOMATOUS INTESTINAL. Identifiers: MedGen C2713442, MONDO:0021056, OMIM 175100. Disease mechanism: loss of function.

Submission:

Labcorp Genetics (formerly Invitae), Labcorp
Classification: Uncertain significance for Familial adenomatous polyposis 1. Last evaluated: 2021-07-03. Review status: criteria provided, single submitter. Criteria: Invitae Variant Classification Sherloc (09022015). Collection method: clinical testing. Allele origin: germline.
Comment: This variant occurs in a non-coding region of the APC gene. It does not change the encoded amino acid sequence of the APC protein. The frequency data for this variant in the population databases is considered unreliable, as metrics indicate insufficient coverage at this position in the ExAC database. This variant has not been reported in the literature in individuals affected with APC-related conditions. Experimental studies and prediction algorithms are not available or were not evaluated, and the functional significance of this variant is currently unknown. In summary, the available evidence is currently insufficient to determine the role of this variant in disease. Therefore, it has been classified as a Variant of Uncertain Significance.

NM_001127511.3(APC):c.-147G>T

Gene: APC (APC regulator of Wnt signaling pathway; plus strand). Cytogenetic location: 5q22.2.
Variant type: single nucleotide variant.
Coding change: c.-147G>T on transcript NM_001127511.3; 147 bases upstream of the start codon, G replaced by T.
Molecular consequence: 5 prime UTR variant. On other transcripts: non-coding transcript variant (2).
Genome position (GRCh38, 1-based): chr5:112,707,571, G>T. VCF-style: chr5-112707571-G-T. GRCh37 (hg19) VCF-style: chr5-112043268-G-T.
Other names: c.-330G>T (NM_001354895.2, NM_001407447.1, NM_001407452.1 and 3 more transcripts); c.-147G>T (NM_001354897.2, NM_001354902.2, NM_001407446.1); c.-97G>T (NM_001407448.1, NM_001407450.1, NM_001407457.1 and 1 more transcripts); c.-121G>T (NM_001407453.1); c.-1365G>T (NM_001407470.1, NM_001407472.1).
Identifiers: ClinVar variation 1404153 (VCV001404153.7), dbSNP rs1208195997, ClinGen allele CA2573138777.